The following is an entry in ClinVar:

NM_017780.4(CHD7):c.5051-14G>T

Gene: CHD7 (chromodomain helicase DNA binding protein 7; plus strand). Cytogenetic location: 8q12.2.
Variant type: single nucleotide variant.
Coding change: c.5051-14G>T on transcript NM_017780.4 (MANE Select); 14 bases into the intron before coding-DNA position 5051, G replaced by T.
Molecular consequence: intron variant.
Genome position (GRCh38, 1-based): chr8:60,845,236, G>T. VCF-style: chr8-60845236-G-T. GRCh37 (hg19) VCF-style: chr8-61757795-G-T.
Other names: c.1717-16993G>T (NM_001316690.1); c.5051-14G>T (NM_017780.3).
Identifiers: ClinVar variation 1603703 (VCV001603703.11), dbSNP rs766512334, ClinGen allele CA4760257.

ClinVar aggregate classification (germline): Likely benign. Review status: criteria provided, multiple submitters, no conflicts (2 of 4 stars). 3 submissions from 3 submitters: Likely benign (2). 1 of the submissions does not count toward it. Last evaluated 2025-11-24.

Conditions:
CHARGE syndrome (CHARGE). Also called: Coloboma, heart anomaly, choanal atresia, retardation, genital and ear anomalies; CHARGE association; Hall-Hittner syndrome; Hittner Hirsch Kreh syndrome; CHARGE ASSOCIATION--COLOBOMA, HEART ANOMALY, CHOANAL ATRESIA, RETARDATION, GENITAL AND EAR ANOMALIES. Identifiers: Orphanet 138, MedGen C0265354, MONDO:0008965.
CHD7-related disorder. Also called: CHD7-related condition.

Allele frequency attached by ClinVar (database versions not stated): gnomAD exomes 0.00004 and 0.00007; gnomAD 0.00006 and 0.00004; TOPMed 0.00006; ExAC 0.00007.
gnomAD v4.1: 73 of 1,602,032 alleles (0.0046%); highest among the groups gnomAD compares: South Asian, 0.043%; no homozygotes.

Submissions (3):

Labcorp Genetics (formerly Invitae), Labcorp
Classification: Likely benign for CHARGE syndrome. Last evaluated: 2025-11-24. Review status: criteria provided, single submitter. Criteria: Invitae Variant Classification Sherloc (09022015). Collection method: clinical testing. Allele origin: germline.

Blueprint Genetics
Classification: Likely benign. Last evaluated: 2024-07-26. Review status: criteria provided, single submitter. Criteria: ACMG Guidelines, 2015. Collection method: clinical testing. Allele origin: germline.

PreventionGenetics, part of Exact Sciences
Classification: Likely benign for CHD7-related condition. Last evaluated: 2020-04-20. Review status: no assertion criteria provided. Collection method: clinical testing. Allele origin: germline. Not counted in ClinVar's aggregate classification.
Comment: This variant is classified as likely benign based on ACMG/AMP sequence variant interpretation guidelines (Richards et al. 2015 PMID: 25741868, with internal and published modifications).